The following is an entry in ClinVar:

ClinVar aggregate classification (germline): Uncertain significance. Review status: criteria provided, multiple submitters, no conflicts (2 of 4 stars). 3 submissions from 3 submitters: Uncertain significance (3). Last evaluated 2022-12-23.

Conditions:
Microcephaly 7, primary, autosomal recessive. Identifiers: Orphanet 2512, MedGen C2675187, MONDO:0012989, OMIM 612703.

Allele frequency attached by ClinVar (database versions not stated): ExAC 0.00003; gnomAD exomes 0.00003 and 0.00005; gnomAD 0.00007 and 0.00014; ESP Exome Variant Server 0.00015; TOPMed 0.00018.
gnomAD v4.1: 63 of 1,614,106 alleles (0.0039%); highest among the groups gnomAD compares: Admixed American, 0.013%; no homozygotes.

Submissions (3):

Labcorp Genetics (formerly Invitae), Labcorp
Classification: Uncertain significance. Last evaluated: 2022-12-23. Review status: criteria provided, single submitter. Criteria: Invitae Variant Classification Sherloc (09022015). Collection method: clinical testing. Allele origin: germline.
Comment: In summary, the available evidence is currently insufficient to determine the role of this variant in disease. Therefore, it has been classified as a Variant of Uncertain Significance. Advanced modeling of protein sequence and biophysical properties (such as structural, functional, and spatial information, amino acid conservation, physicochemical variation, residue mobility, and thermodynamic stability) performed at Invitae indicates that this missense variant is expected to disrupt STIL protein function. ClinVar contains an entry for this variant (Variation ID: 875729). This variant has not been reported in the literature in individuals affected with STIL-related conditions. This variant is present in population databases (rs142290334, gnomAD 0.01%). This sequence change replaces lysine, which is basic and polar, with arginine, which is basic and polar, at codon 819 of the STIL protein (p.Lys819Arg).

Illumina Laboratory Services, Illumina
Classification: Uncertain significance for Microcephaly 7, primary, autosomal recessive. Last evaluated: 2018-01-13. Review status: criteria provided, single submitter. Criteria: ICSL Variant Classification Criteria 13 December 2019. Collection method: clinical testing. Allele origin: germline.

Breakthrough Genomics
Classification: Uncertain significance. Review status: criteria provided, single submitter. Criteria: ACMG Guidelines, 2015. Collection method: not provided. Allele origin: germline. Inheritance: Autosomal recessive inheritance. Affected: yes.

NM_001048166.1(STIL):c.2456A>G (p.Lys819Arg)

Gene: STIL (STIL centriolar assembly protein; minus strand). Cytogenetic location: 1p33.
Variant type: single nucleotide variant.
Coding change: c.2456A>G on transcript NM_001048166.1 (MANE Select); coding-DNA position 2456, A replaced by G.
Protein change: p.Lys819Arg; replaces lysine 819 with arginine.
Molecular consequence: missense variant.
Genome position (GRCh38, 1-based): chr1:47,269,794, T>C on the plus strand (A>G on the coding strand, the complement: STIL is on the minus strand). VCF-style: chr1-47269794-T-C. GRCh37 (hg19) VCF-style: chr1-47735466-T-C.
Other names: c.2456A>G, p.Lys819Arg (NM_001282936.1, NM_001282937.1, NM_003035.2); c.2315A>G, p.Lys772Arg (NM_001282938.1, NM_001282939.1, NM_001377417.1); short protein forms K819R, K772R.
Identifiers: ClinVar variation 875729 (VCV000875729.6), dbSNP rs142290334, ClinGen allele CA842171.